The following is an entry in ClinVar:

ClinVar aggregate classification (germline): Uncertain significance (1 of 4 stars; one submission).

Submission:

Dasa
Classification: Uncertain significance. Last evaluated: 2024-05-24. Review status: criteria provided, single submitter. Criteria: DASA Assertion Criteria. Collection method: clinical testing. Allele origin: germline.
Comment: NM_005529.7(HSPG2):c.3385C>T (p.Pro1129Ser) is a missense variant that results in the substitution of proline with serine. This variant is absent from population databases. The currently available literature and clinical evidence are not sufficient to establish a definitive association between this variant and the reported condition. Therefore, this variant is classified as a variant of uncertain significance.

NM_005529.7(HSPG2):c.3385C>T (p.Pro1129Ser)

Gene: HSPG2 (heparan sulfate proteoglycan 2; minus strand). Cytogenetic location: 1p36.12.
Variant type: single nucleotide variant.
Coding change: c.3385C>T on transcript NM_005529.7 (MANE Select); coding-DNA position 3385, C replaced by T.
Protein change: p.Pro1129Ser; replaces proline 1129 with serine.
Molecular consequence: missense variant.
Genome position (GRCh38, 1-based): chr1:21,874,920, G>A on the plus strand (C>T on the coding strand, the complement: HSPG2 is on the minus strand). VCF-style: chr1-21874920-G-A. GRCh37 (hg19) VCF-style: chr1-22201413-G-A.
Other names: c.3388C>T, p.Pro1130Ser (NM_001291860.2); short protein forms P1129S, P1130S.
Identifiers: ClinVar variation 4856871 (VCV004856871.2).